The following is an entry in ClinVar:

ClinVar aggregate classification (germline): Pathogenic (1 of 4 stars; one submission).

Conditions:
Rhabdoid tumor predisposition syndrome 2 (RTPS2). Identifiers: Orphanet 231108, Orphanet 69077, MedGen C2750074, MONDO:0013224, OMIM 613325.

Allele frequency attached by ClinVar (database versions not stated): gnomAD exomes below 0.00001.

Submission:

Labcorp Genetics (formerly Invitae), Labcorp
Classification: Pathogenic for Rhabdoid tumor predisposition syndrome 2. Last evaluated: 2023-06-16. Review status: criteria provided, single submitter. Criteria: Invitae Variant Classification Sherloc (09022015). Collection method: clinical testing. Allele origin: germline.
Comment: This sequence change creates a premature translational stop signal (p.Leu550Argfs*63) in the SMARCA4 gene. It is expected to result in an absent or disrupted protein product. Loss-of-function variants in SMARCA4 are known to be pathogenic (PMID: 24658001, 24658002). This variant is not present in population databases (gnomAD no frequency). For these reasons, this variant has been classified as Pathogenic. ClinVar contains an entry for this variant (Variation ID: 2118264). This variant has not been reported in the literature in individuals affected with SMARCA4-related conditions.

Literature cited by the submitters: PubMed 24658001; PubMed 24658002.

NM_003072.5(SMARCA4):c.1649del (p.Leu550fs)

Gene: SMARCA4 (SWI/SNF related BAF chromatin remodeling complex subunit ATPase 4; plus strand). Cytogenetic location: 19p13.2.
Variant type: Deletion.
Coding change: c.1649del on transcript NM_003072.5 (MANE Select); coding-DNA position 1649, one base deleted (T; older notation c.1649delT).
Protein change: p.Leu550fs; shifts the reading frame from leucine 550.
Molecular consequence: frameshift variant. On other transcripts: non-coding transcript variant (1).
Genome position (GRCh38, 1-based): chr19:10,996,268, T deleted. VCF-style (leftmost placement, unchanged base first): chr19-10996267-CT-C. GRCh37 (hg19) VCF-style: chr19-11106943-CT-C.
Other names: c.1649del, p.Leu550fs (NM_001128844.3, NM_001128845.2, NM_001128846.2 and 5 more transcripts); c.1649delT, p.Leu550Argfs (NM_001411150.1); short protein forms L550fs.
Identifiers: ClinVar variation 2118264 (VCV002118264.4), dbSNP rs2514296193, ClinGen allele CA2580096225.